The following is an entry in ClinVar:

ClinVar aggregate classification (germline): Conflicting classifications of pathogenicity. Review status: criteria provided, conflicting classifications (1 of 4 stars). 3 submissions from 3 submitters: Uncertain significance (1); Likely benign (2). Last evaluated 2024-08-13.

Conditions:
Inborn genetic diseases. Identifiers: MedGen C0950123, MeSH D030342.

Allele frequency attached by ClinVar (database versions not stated): gnomAD 0.00003; TOPMed 0.00007; ESP Exome Variant Server 0.00008; 1000 Genomes Project 30x 0.00031.
gnomAD v4.1: 166 of 1,606,670 alleles (0.01%); highest among the groups gnomAD compares: Non-Finnish European, 0.013%; no homozygotes.

Submissions (3):

Labcorp Genetics (formerly Invitae), Labcorp
Classification: Uncertain significance. Last evaluated: 2024-08-13. Review status: criteria provided, single submitter. Criteria: Invitae Variant Classification Sherloc (09022015). Collection method: clinical testing. Allele origin: germline.
Comment: This sequence change replaces phenylalanine, which is neutral and non-polar, with leucine, which is neutral and non-polar, at codon 202 of the KCNC3 protein (p.Phe202Leu). This variant is present in population databases (rs375782591, gnomAD 0.01%). This variant has not been reported in the literature in individuals affected with KCNC3-related conditions. ClinVar contains an entry for this variant (Variation ID: 2176497). Advanced modeling of protein sequence and biophysical properties (such as structural, functional, and spatial information, amino acid conservation, physicochemical variation, residue mobility, and thermodynamic stability) performed at Invitae indicates that this missense variant is not expected to disrupt KCNC3 protein function with a negative predictive value of 95%. In summary, the available evidence is currently insufficient to determine the role of this variant in disease. Therefore, it has been classified as a Variant of Uncertain Significance.

Blueprint Genetics
Classification: Likely benign. Last evaluated: 2023-07-18. Review status: criteria provided, single submitter. Criteria: ACMG Guidelines, 2015. Collection method: clinical testing. Allele origin: germline.

Ambry Genetics
Classification: Likely benign for Inborn genetic diseases. Last evaluated: 2021-05-17. Review status: criteria provided, single submitter. Criteria: Ambry Variant Classification Scheme 2023. Collection method: clinical testing. Allele origin: germline.

NM_004977.3(KCNC3):c.606C>G (p.Phe202Leu)

Gene: KCNC3 (potassium voltage-gated channel subfamily C member 3; minus strand). Cytogenetic location: 19q13.33.
Variant type: single nucleotide variant.
Coding change: c.606C>G on transcript NM_004977.3 (MANE Select); coding-DNA position 606, C replaced by G.
Protein change: p.Phe202Leu; replaces phenylalanine 202 with leucine.
Molecular consequence: missense variant.
Genome position (GRCh38, 1-based): chr19:50,328,477, G>C on the plus strand (C>G on the coding strand, the complement: KCNC3 is on the minus strand). VCF-style: chr19-50328477-G-C. GRCh37 (hg19) VCF-style: chr19-50831734-G-C.
Other names: c.378C>G, p.Phe126Leu (NM_001372305.1); c.606C>G (NM_004977.2); short protein forms F126L, F202L.
Identifiers: ClinVar variation 2176497 (VCV002176497.6), dbSNP rs375782591, ClinGen allele CA9594361.
Genomic context (GRCh38, chr19:50,328,477, plus strand): 5'-TCCGTCGTGGGCGCCTGCGGCGTTGGCGGCGTTGGCGGCGCCCGCGGGGTCGGGCGCCTC[G>C]AAGGAGTCGAGCGCCTCCTCAGCGTCGCGATGCTGCCGGTAGGTCATCCAGCAGCAGGCC-3'
Protein context (NP_004968.2, residues 192-212): HRDAEEALDS[Phe202Leu]EAPDPAGAAN